The following is an entry in ClinVar:

ClinVar aggregate classification (germline): Benign/Likely benign. Review status: criteria provided, multiple submitters, no conflicts (2 of 4 stars). 3 submissions from 3 submitters: Benign (1); Likely benign (2). Last evaluated 2025-10-11.

Conditions:
Hereditary cancer-predisposing syndrome. Also called: Hereditary neoplastic syndrome; Neoplastic Syndromes, Hereditary; Tumor predisposition; Hereditary Cancer Syndrome. Identifiers: Orphanet 140162, MedGen C0027672, MeSH D009386, MONDO:0015356.
Multiple endocrine neoplasia, type 1 (MEN1). Also called: MEN I; WERMER SYNDROME; Endocrine adenomatosis multiple; MEN 1; MEA I. Identifiers: Orphanet 652, MedGen C0025267, MeSH D018761, MONDO:0007540, OMIM 131100.

Submissions (3):

Labcorp Genetics (formerly Invitae), Labcorp
Classification: Likely benign for Multiple endocrine neoplasia, type 1. Last evaluated: 2025-10-11. Review status: criteria provided, single submitter. Criteria: Invitae Variant Classification Sherloc (09022015). Collection method: clinical testing. Allele origin: germline.

Myriad Genetics, Inc.
Classification: Benign for Multiple endocrine neoplasia, type 1. Last evaluated: 2024-11-05. Review status: criteria provided, single submitter. Criteria: Myriad Autosomal Dominant, Autosomal Recessive and X-Linked Classification Criteria (2023). Collection method: clinical testing. Allele origin: unknown.
Comment: This variant is considered benign. This variant is a silent/synonymous amino acid change and it is not expected to impact splicing.

Ambry Genetics
Classification: Likely benign for Hereditary cancer-predisposing syndrome. Last evaluated: 2017-02-13. Review status: criteria provided, single submitter. Criteria: Ambry Variant Classification Scheme 2023. Collection method: clinical testing. Allele origin: germline.

NM_001370259.2(MEN1):c.1395C>G (p.Ala465=)

Gene: MEN1 (menin 1; minus strand). Cytogenetic location: 11q13.1.
Variant type: single nucleotide variant.
Coding change: c.1395C>G on transcript NM_001370259.2 (MANE Select); coding-DNA position 1395, C replaced by G.
Protein change: p.Ala465=; no amino-acid change (alanine 465 retained).
Molecular consequence: synonymous variant.
Genome position (GRCh38, 1-based): chr11:64,804,772, G>C on the plus strand (C>G on the coding strand, the complement: MEN1 is on the minus strand). VCF-style: chr11-64804772-G-C. GRCh37 (hg19) VCF-style: chr11-64572244-G-C.
Other names: c.1410C>G, p.Ala470= (NM_130800.3, NM_130801.3, NM_130802.3 and 3 more transcripts); c.1521C>G, p.Ala507= (NM_001370251.2); c.1395C>G, p.Ala465= (NM_001370260.2, NM_001370261.2, NM_130799.3); c.1290C>G, p.Ala430= (NM_001370262.2, NM_001370263.2).
Identifiers: ClinVar variation 480795 (VCV000480795.14), dbSNP rs748820252, ClinGen allele CA475163515.